The following is an entry in ClinVar:

NM_004260.4(RECQL4):c.3403T>G (p.Trp1135Gly)

Gene: RECQL4 (RecQ like helicase 4; minus strand). Cytogenetic location: 8q24.3.
Variant type: single nucleotide variant.
Coding change: c.3403T>G on transcript NM_004260.4 (MANE Select); coding-DNA position 3403, T replaced by G.
Protein change: p.Trp1135Gly; replaces tryptophan 1135 with glycine.
Molecular consequence: missense variant. On other transcripts: non-coding transcript variant (3).
Genome position (GRCh38, 1-based): chr8:144,511,780, A>C on the plus strand (T>G on the coding strand, the complement: RECQL4 is on the minus strand). VCF-style: chr8-144511780-A-C. GRCh37 (hg19) VCF-style: chr8-145737163-A-C.
Other names: c.3109T>G, p.Trp1037Gly (NM_001413017.1); c.3205T>G, p.Trp1069Gly (NM_001413018.1); c.3478T>G, p.Trp1160Gly (NM_001413019.1); c.3307T>G, p.Trp1103Gly (NM_001413020.1); c.2332T>G, p.Trp778Gly (NM_001413021.1, NM_001413022.1, NM_001413024.1 and 4 more transcripts); c.2407T>G, p.Trp803Gly (NM_001413023.1); c.3274T>G, p.Trp1092Gly (NM_001413025.1); c.2266T>G, p.Trp756Gly (NM_001413027.1, NM_001413030.1, NM_001413032.1); and 9 more; short protein forms W1018G, W1069G, W1135G, W646G, W768G, W1091G, W1092G, W1103G.
Identifiers: ClinVar variation 3431911 (VCV003431911.1).

ClinVar aggregate classification (germline): Uncertain significance (1 of 4 stars; one submission).

Conditions:
Inborn genetic diseases. Identifiers: MedGen C0950123, MeSH D030342.

Submission:

Ambry Genetics
Classification: Uncertain significance for Inborn genetic diseases. Last evaluated: 2024-12-06. Review status: criteria provided, single submitter. Criteria: Ambry Variant Classification Scheme 2023. Collection method: clinical testing. Allele origin: germline.
Comment: The p.W1135G variant (also known as c.3403T>G), located in coding exon 20 of the RECQL4 gene, results from a T to G substitution at nucleotide position 3403. The tryptophan at codon 1135 is replaced by glycine, an amino acid with highly dissimilar properties. This amino acid position is conserved. In addition, the in silico prediction for this alteration is inconclusive. Based on the available evidence, the clinical significance of this variant remains unclear.